The following is an entry in ClinVar:

ClinVar aggregate classification (germline): Pathogenic. Review status: criteria provided, multiple submitters, no conflicts (2 of 4 stars). 4 submissions from 4 submitters: Pathogenic (4). Last evaluated 2025-03-26.

Conditions:
Osteogenesis imperfecta, perinatal lethal (OI2). Also called: Osteogenesis imperfecta, dominant perinatal lethal; OSTEOGENESIS IMPERFECTA, TYPE II; Osteogenesis imperfecta type 2; VROLIK TYPE OF OSTEOGENESIS IMPERFECTA; OI, TYPE II; OSTEOGENESIS IMPERFECTA CONGENITA. Identifiers: Orphanet 216804, MedGen C0268358, MONDO:0008147, OMIM 166210.
Osteogenesis imperfecta type I (OI1). Also called: Lobstein's Disease; Osteogenesis imperfecta type 1; OI, TYPE I; OSTEOGENESIS IMPERFECTA TARDA; OSTEOGENESIS IMPERFECTA WITH BLUE SCLERAE; Classic Non-deforming Osteogenesis Imperfecta with Blue Sclerae. Identifiers: Orphanet 216796, Orphanet 666, MedGen C0023931, MONDO:0008146, OMIM 166200. Disease mechanism: loss of function.

Submissions (4):

Labcorp Genetics (formerly Invitae), Labcorp
Classification: Pathogenic for Osteogenesis imperfecta type I. Last evaluated: 2025-03-26. Review status: criteria provided, single submitter. Criteria: Invitae Variant Classification Sherloc (09022015). Collection method: clinical testing. Allele origin: germline.
Comment: This sequence change creates a premature translational stop signal (p.Pro129Leufs*136) in the COL1A1 gene. It is expected to result in an absent or disrupted protein product. Loss-of-function variants in COL1A1 are known to be pathogenic (PMID: 7942841, 9295084, 9443882). The frequency data for this variant in the population databases is considered unreliable, as metrics indicate poor data quality at this position in the gnomAD database. This premature translational stop signal has been observed in individual(s) with osteogenesis imperfecta (PMID: 16786509). ClinVar contains an entry for this variant (Variation ID: 807388). For these reasons, this variant has been classified as Pathogenic.

3billion
Classification: Pathogenic for Osteogenesis imperfecta, perinatal lethal. Last evaluated: 2024-09-04. Review status: criteria provided, single submitter. Criteria: ACMG Guidelines, 2015. Collection method: clinical testing. Allele origin: germline. Affected: yes.
Comment: The variant is observed at an extremely low frequency in the gnomAD v4.0.0 dataset (total allele frequency: <0.001%). Predicted Consequence/Location: Frameshift: predicted to result in a loss or disruption of normal protein function through nonsense-mediated decay (NMD) or protein truncation. Multiple pathogenic variants are reported downstream of the variant. The variant has been reported at least twice as pathogenic with clinical assertions and evidence for the classification (ClinVar ID: VCV000807388 /PMID: 16786509). Therefore, this variant is classified as Pathogenic according to the recommendation of ACMG/AMP guideline.

CeGaT Center for Human Genetics Tuebingen
Classification: Pathogenic. Last evaluated: 2023-08-01. Review status: criteria provided, single submitter. Criteria: CeGaT Center For Human Genetics Tuebingen Variant Classification Criteria Version 2. Collection method: clinical testing. Allele origin: germline. Affected: yes. Observed: 1 variant allele.
Comment: COL1A1: PVS1, PM2, PS2:Moderate, PS4:Moderate

Institute of Human Genetics Munich, TUM University Hospital
Classification: Pathogenic for Osteogenesis imperfecta type I. Last evaluated: 2019-05-07. Review status: criteria provided, single submitter. Criteria: Classification criteria August 2017. Collection method: clinical testing. Allele origin: de novo. Inheritance: Autosomal dominant inheritance. Affected: yes. Observed: 1 heterozygote.

Literature cited by the submitters: PubMed 7942841 (cited by Labcorp Genetics (formerly Invitae), Labcorp); PubMed 9295084 (cited by Labcorp Genetics (formerly Invitae), Labcorp); PubMed 9443882 (cited by Labcorp Genetics (formerly Invitae), Labcorp); PubMed 16786509 (cited by Labcorp Genetics (formerly Invitae), Labcorp and 3billion).

NM_000088.4(COL1A1):c.386del (p.Pro129fs)

Gene: COL1A1 (collagen type I alpha 1 chain; minus strand). Cytogenetic location: 17q21.33.
Variant type: Deletion.
Coding change: c.386del on transcript NM_000088.4 (MANE Select); coding-DNA position 386, one base deleted (C; older notation c.386delC).
Protein change: p.Pro129fs; shifts the reading frame from proline 129.
Molecular consequence: frameshift variant.
Genome position (GRCh38, 1-based): chr17:50,199,311, G deleted on the plus strand (C on the coding strand, the reverse complement: COL1A1 is on the minus strand); the first of 6 consecutive G bases (chr17:50,199,311-50,199,316); deleting any one gives the same sequence. VCF-style (leftmost placement, unchanged base first): chr17-50199310-AG-A. GRCh37 (hg19) VCF-style: chr17-48276671-AG-A.
Other names: short protein forms P129fs.
Identifiers: ClinVar variation 807388 (VCV000807388.38), dbSNP rs72667014, ClinGen allele CA8645709.